The following is an entry in ClinVar:

ClinVar aggregate classification (germline): Pathogenic/Likely pathogenic. Review status: criteria provided, multiple submitters, no conflicts (2 of 4 stars). 3 submissions from 3 submitters: Pathogenic (1); Likely pathogenic (2). Last evaluated 2025-11-01.

Conditions:
Charcot-Marie-Tooth disease axonal type 2Z. Also called: CHARCOT-MARIE-TOOTH DISEASE, AXONAL, AUTOSOMAL DOMINANT, TYPE 2Z; CHARCOT-MARIE-TOOTH NEUROPATHY, TYPE 2Z. Identifiers: Orphanet 466768, MedGen C5569025, MONDO:0014736, OMIM 616688.
Developmental delay, impaired growth, dysmorphic facies, and axonal neuropathy. Identifiers: MedGen C5436781, MONDO:0030835, OMIM 619090.

Submissions (3):

CeGaT Center for Human Genetics Tuebingen
Classification: Pathogenic. Last evaluated: 2025-11-01. Review status: criteria provided, single submitter. Criteria: CeGaT Center For Human Genetics Tuebingen Variant Classification Criteria Version 2. Collection method: clinical testing. Allele origin: germline. Affected: yes. Observed: 1 variant allele.
Comment: MORC2: PS2, PM2, PM5, PM1:Supporting, PP2

Labcorp Genetics (formerly Invitae), Labcorp
Classification: Likely pathogenic for Charcot-Marie-Tooth disease axonal type 2Z. Last evaluated: 2022-02-09. Review status: criteria provided, single submitter. Criteria: Invitae Variant Classification Sherloc (09022015). Collection method: clinical testing. Allele origin: germline.
Comment: In summary, the currently available evidence indicates that the variant is pathogenic, but additional data are needed to prove that conclusively. Therefore, this variant has been classified as Likely Pathogenic. Algorithms developed to predict the effect of missense changes on protein structure and function are either unavailable or do not agree on the potential impact of this missense change (SIFT: "Not Available"; PolyPhen-2: "Possibly Damaging"; Align-GVGD: "Not Available"). This missense change has been observed in individual(s) with clinical features of MORC2-related conditions (Invitae). In at least one individual the variant was observed to be de novo. This variant is not present in population databases (gnomAD no frequency). This sequence change replaces threonine with alanine at codon 424 of the MORC2 protein (p.Thr424Ala). The threonine residue is highly conserved and there is a small physicochemical difference between threonine and alanine.

Laboratory of Functional Genomics, Research Centre for Medical Genetics
Classification: Likely pathogenic for Developmental delay, impaired growth, dysmorphic facies, and axonal neuropathy. Review status: criteria provided, single submitter. Criteria: ACMG Guidelines, 2015. Collection method: clinical testing, in vitro. Allele origin: de novo, not applicable. Affected: yes. Observed: 1 heterozygote.
Comment: Segregation analysis was not performed. This variant is absent in population databases. For functional characterization of the variant a vector, expressing MORC2 fused with Flag tag at C-terminal end, was created. Transfection of the plasmid into HEK293T cells followed by Western blotting revealed slight reduction of MORC2 protein quantity compared to wt vector. In summary, c.1270A>G variant meets criteria to be classified as likely pathogenic.

NM_001303256.3(MORC2):c.1270A>G (p.Thr424Ala)

Gene: MORC2 (MORC family CW-type zinc finger 2; minus strand). Cytogenetic location: 22q12.2.
Variant type: single nucleotide variant.
Coding change: c.1270A>G on transcript NM_001303256.3 (MANE Select); coding-DNA position 1270, A replaced by G.
Protein change: p.Thr424Ala; replaces threonine 424 with alanine.
Molecular consequence: missense variant.
Genome position (GRCh38, 1-based): chr22:30,937,914, T>C on the plus strand (A>G on the coding strand, the complement: MORC2 is on the minus strand). VCF-style: chr22-30937914-T-C. GRCh37 (hg19) VCF-style: chr22-31333901-T-C.
Other names: c.1270A>G, p.Thr424Ala (NM_001303257.2); c.1084A>G, p.Thr362Ala (NM_014941.3); short protein forms T424A, T362A.
Identifiers: ClinVar variation 1415141 (VCV001415141.14), dbSNP rs2147256596, ClinGen allele CA411238937.